The following is an entry in ClinVar:

NM_007348.4(ATF6):c.1954C>T (p.Pro652Ser)

Gene: ATF6 (activating transcription factor 6; plus strand). Cytogenetic location: 1q23.3.
Variant type: single nucleotide variant.
Coding change: c.1954C>T on transcript NM_007348.4 (MANE Select); coding-DNA position 1954, C replaced by T.
Protein change: p.Pro652Ser; replaces proline 652 with serine.
Molecular consequence: missense variant.
Genome position (GRCh38, 1-based): chr1:161,958,595, C>T. VCF-style: chr1-161958595-C-T. GRCh37 (hg19) VCF-style: chr1-161928385-C-T.
Other names: short protein forms P652S.
Identifiers: ClinVar variation 837666 (VCV000837666.8), dbSNP rs757919002, ClinGen allele CA1214641.
Genomic context (GRCh38, chr1:161,958,595, plus strand): 5'-TCAGTTCCTCCTTACCTCCGAGATCAGCAGAGGAATCAAACCAACACCTTCTTTGGCTCC[C>T]CTCCCGCAGCCACAGAGGCAACCCACGTTGTCAGCACCATCCCTGAGTCATTACAATAGC-3'
Protein context (NP_031374.2, residues 642-662): RNQTNTFFGS[Pro652Ser]PAATEATHVV

ClinVar aggregate classification (germline): Uncertain significance. Review status: criteria provided, multiple submitters, no conflicts (2 of 4 stars). 4 submissions from 4 submitters: Uncertain significance (4). Last evaluated 2025-08-12.

Conditions:
Inborn genetic diseases. Identifiers: MedGen C0950123, MeSH D030342.

Allele frequency attached by ClinVar (database versions not stated): gnomAD 0.00002.
gnomAD v4.1: 118 of 1,613,886 alleles (0.0073%); highest among the groups gnomAD compares: Admixed American, 0.023%; no homozygotes.

Submissions (4):

Ambry Genetics
Classification: Uncertain significance for Inborn genetic diseases. Last evaluated: 2025-08-12. Review status: criteria provided, single submitter. Criteria: Ambry Variant Classification Scheme 2023. Collection method: clinical testing. Allele origin: germline.

Blueprint Genetics
Classification: Uncertain significance. Last evaluated: 2023-04-17. Review status: criteria provided, single submitter. Criteria: ACMG Guidelines, 2015. Collection method: clinical testing. Allele origin: germline.

Labcorp Genetics (formerly Invitae), Labcorp
Classification: Uncertain significance. Last evaluated: 2022-08-23. Review status: criteria provided, single submitter. Criteria: Invitae Variant Classification Sherloc (09022015). Collection method: clinical testing. Allele origin: germline.
Comment: This sequence change replaces proline, which is neutral and non-polar, with serine, which is neutral and polar, at codon 652 of the ATF6 protein (p.Pro652Ser). This variant is present in population databases (rs757919002, gnomAD 0.03%). This variant has not been reported in the literature in individuals affected with ATF6-related conditions. ClinVar contains an entry for this variant (Variation ID: 837666). Algorithms developed to predict the effect of missense changes on protein structure and function (SIFT, PolyPhen-2, Align-GVGD) all suggest that this variant is likely to be tolerated. In summary, the available evidence is currently insufficient to determine the role of this variant in disease. Therefore, it has been classified as a Variant of Uncertain Significance.

Breakthrough Genomics
Classification: Uncertain significance. Review status: criteria provided, single submitter. Criteria: ACMG Guidelines, 2015. Collection method: not provided. Allele origin: germline. Inheritance: Autosomal recessive inheritance. Affected: yes.